The following is an entry in ClinVar:

NM_000038.6(APC):c.188_189delinsG (p.Ser63fs)

Gene: APC (APC regulator of Wnt signaling pathway; plus strand). Cytogenetic location: 5q22.2.
Variant type: Indel.
Coding change: c.188_189delinsG on transcript NM_000038.6 (MANE Select); coding-DNA positions 188 to 189, CT replaced by G.
Protein change: p.Ser63fs; shifts the reading frame from serine 63.
Molecular consequence: frameshift variant. On other transcripts: 5 prime UTR variant (4), non-coding transcript variant (2).
Genome position (GRCh38, 1-based): chr5:112,766,378-112,766,379, CT replaced by G. VCF-style: chr5-112766378-CT-G. GRCh37 (hg19) VCF-style: chr5-112102075-CT-G.
Other names: c.188_189delinsG, p.Ser63fs (NM_001127510.3, NM_001354895.2, NM_001354896.2 and 16 more transcripts); c.218_219delinsG, p.Ser73fs (NM_001127511.3, NM_001354897.2, NM_001354902.2 and 1 more transcripts); c.113_114delinsG, p.Ser38fs (NM_001354898.2, NM_001354904.2, NM_001407451.1); c.11_12delinsG, p.Ser4fs (NM_001354900.2, NM_001354901.2, NM_001354905.2 and 1 more transcripts); c.-848_-847delinsG (NM_001354906.2, NM_001407470.1, NM_001407471.1 and 1 more transcripts); short protein forms S38fs, S4fs, S73fs, S63fs.
Identifiers: ClinVar variation 4120377 (VCV004120377.1).

ClinVar aggregate classification (germline): Pathogenic (1 of 4 stars; one submission).

Conditions:
Hereditary cancer-predisposing syndrome. Also called: Hereditary neoplastic syndrome; Neoplastic Syndromes, Hereditary; Tumor predisposition; Hereditary Cancer Syndrome. Identifiers: Orphanet 140162, MedGen C0027672, MeSH D009386, MONDO:0015356.

Submission:

Ambry Genetics
Classification: Pathogenic for Hereditary cancer-predisposing syndrome. Last evaluated: 2025-07-03. Review status: criteria provided, single submitter. Criteria: Ambry Variant Classification Scheme 2023. Collection method: clinical testing. Allele origin: germline.
Comment: The c.188_189delCTinsG pathogenic mutation, located in coding exon 2 of the APC gene, results from the deletion of two nucleotides and insertion of one nucleotide causing a translational frameshift with a predicted alternate stop codon (p.S63Wfs*7). Premature termination codons are typically deleterious in nature. This variant is considered to be rare based on population cohorts in the Genome Aggregation Database (gnomAD). As such, this alteration is classified as a disease-causing mutation. However, alterations that result in premature termination in coding exon 2 are associated with an attenuated phenotype and may have reduced penetrance compared to classic familial adenomatous polyposis syndrome. Clinical correlation is advised.